The following is an entry in ClinVar:

NM_032043.3(BRIP1):c.2567A>C (p.Tyr856Ser)

Gene: BRIP1 (BRCA1 interacting DNA helicase 1; minus strand). Cytogenetic location: 17q23.2.
Variant type: single nucleotide variant.
Coding change: c.2567A>C on transcript NM_032043.3 (MANE Select); coding-DNA position 2567, A replaced by C.
Protein change: p.Tyr856Ser; replaces tyrosine 856 with serine.
Molecular consequence: missense variant.
Genome position (GRCh38, 1-based): chr17:61,693,438, T>G on the plus strand (A>C on the coding strand, the complement: BRIP1 is on the minus strand). VCF-style: chr17-61693438-T-G. GRCh37 (hg19) VCF-style: chr17-59770799-T-G.
Other names: short protein forms Y856S.
Identifiers: ClinVar variation 4783590 (VCV004783590.1).

ClinVar aggregate classification (germline): Uncertain significance (1 of 4 stars; one submission).

Conditions:
Fanconi anemia complementation group J. Also called: BRIP1-Related Fanconi Anemia. Identifiers: Orphanet 84, MedGen C1836860, MONDO:0012187, OMIM 609054.
Familial cancer of breast. Also called: Hereditary breast cancer; hereditary breast carcinoma; BREAST CANCER, FAMILIAL. Identifiers: Orphanet 227535, MedGen C0346153, MONDO:0016419, OMIM 114480. Disease mechanism: loss of function.

Submission:

Labcorp Genetics (formerly Invitae), Labcorp
Classification: Uncertain significance for Familial cancer of breast; Fanconi anemia complementation group J. Last evaluated: 2025-06-24. Review status: criteria provided, single submitter. Criteria: Invitae Variant Classification Sherloc (09022015). Collection method: clinical testing. Allele origin: germline.
Comment: This sequence change replaces tyrosine, which is neutral and polar, with serine, which is neutral and polar, at codon 856 of the BRIP1 protein (p.Tyr856Ser). This variant is not present in population databases (gnomAD no frequency). This variant has not been reported in the literature in individuals affected with BRIP1-related conditions. Invitae Evidence Modeling of protein sequence and biophysical properties (such as structural, functional, and spatial information, amino acid conservation, physicochemical variation, residue mobility, and thermodynamic stability) has been performed for this missense variant. However, the output from this modeling did not meet the statistical confidence thresholds required to predict the impact of this variant on BRIP1 protein function. In summary, the available evidence is currently insufficient to determine the role of this variant in disease. Therefore, it has been classified as a Variant of Uncertain Significance.